The following is an entry in ClinVar:

NM_002485.5(NBN):c.2239A>C (p.Asn747His)

Gene: NBN (nibrin; minus strand). Cytogenetic location: 8q21.3.
Variant type: single nucleotide variant.
Coding change: c.2239A>C on transcript NM_002485.5 (MANE Select); coding-DNA position 2239, A replaced by C.
Protein change: p.Asn747His; replaces asparagine 747 with histidine.
Molecular consequence: missense variant.
Genome position (GRCh38, 1-based): chr8:89,935,608, T>G on the plus strand (A>C on the coding strand, the complement: NBN is on the minus strand). VCF-style: chr8-89935608-T-G. GRCh37 (hg19) VCF-style: chr8-90947836-T-G.
Other names: c.1993A>C, p.Asn665His (NM_001024688.3); short protein forms N747H, N665H.
Identifiers: ClinVar variation 3403051 (VCV003403051.1).

ClinVar aggregate classification (germline): Uncertain significance (1 of 4 stars; one submission).

Conditions:
Hereditary cancer-predisposing syndrome. Also called: Hereditary Cancer Syndrome; Tumor predisposition; Hereditary neoplastic syndrome; Neoplastic Syndromes, Hereditary. Identifiers: Orphanet 140162, MedGen C0027672, MeSH D009386, MONDO:0015356.

Submission:

Ambry Genetics
Classification: Uncertain significance for Hereditary cancer-predisposing syndrome. Last evaluated: 2024-07-11. Review status: criteria provided, single submitter. Criteria: Ambry Variant Classification Scheme 2023. Collection method: clinical testing. Allele origin: germline.
Comment: The p.N747H variant (also known as c.2239A>C), located in coding exon 16 of the NBN gene, results from an A to C substitution at nucleotide position 2239. The asparagine at codon 747 is replaced by histidine, an amino acid with similar properties. This amino acid position is conserved. In addition, this alteration is predicted to be tolerated by in silico analysis. Based on the available evidence, the clinical significance of this variant remains unclear.